The following is an entry in ClinVar:

ClinVar aggregate classification (germline): Conflicting classifications of pathogenicity. Review status: criteria provided, conflicting classifications (1 of 4 stars). 6 submissions from 6 submitters: Uncertain significance (1); Likely benign (4). 1 of the submissions does not count toward it. Last evaluated 2025-08-20.

Conditions:
BRCA2-related cancer predisposition. Identifiers: MedGen CN377758, MONDO:0700269.
Hereditary cancer-predisposing syndrome. Also called: Tumor predisposition; Hereditary Cancer Syndrome; Hereditary neoplastic syndrome; Neoplastic Syndromes, Hereditary. Identifiers: Orphanet 140162, MedGen C0027672, MeSH D009386, MONDO:0015356.
Hereditary breast ovarian cancer syndrome. Also called: Breast and ovarian cancer; Hereditary breast and ovarian cancer syndrome; Hereditary breast and ovarian cancer; BRCA1- and BRCA2-Associated Hereditary Breast and Ovarian Cancer; Hereditary breast and ovarian cancer syndrome (HBOC); Hereditary breast and/or ovarian cancer syndrome. Identifiers: Orphanet 145, MedGen C0677776, MeSH D061325, MONDO:0003582. Disease mechanism: loss of function.
Breast-ovarian cancer, familial, susceptibility to, 2 (BROVCA2). Also called: BRCA2 Hereditary Breast and Ovarian Cancer. Identifiers: Orphanet 145, MedGen C2675520, MONDO:0012933, OMIM 612555. Disease mechanism: loss of function.

Allele frequency attached by ClinVar (database versions not stated): gnomAD exomes below 0.00001.
gnomAD v4.1: 2 of 1,613,732 alleles (0.00012%); highest among the groups gnomAD compares: Non-Finnish European, 0.00017%; no homozygotes.

Submissions (6):

Labcorp Genetics (formerly Invitae), Labcorp
Classification: Likely benign for Hereditary breast ovarian cancer syndrome. Last evaluated: 2025-08-20. Review status: criteria provided, single submitter. Criteria: Invitae Variant Classification Sherloc (09022015). Collection method: clinical testing. Allele origin: germline.

All of Us Research Program, National Institutes of Health
Classification: Likely benign for BRCA2-related cancer predisposition. Last evaluated: 2024-04-25. Review status: criteria provided, single submitter. Criteria: ACMG Guidelines, 2015. Collection method: clinical testing. Allele origin: germline. Inheritance: Autosomal dominant inheritance. Observed: 1 variant allele, 1 heterozygote.
Comment: This study involves interpretation of variants in research participants for the purpose of population health screening. Participant phenotype was not available at the time of variant classification. Additional details can be found in publication PMID: 35346344, PMCID: PMC8962531

Ambry Genetics
Classification: Uncertain significance for Hereditary cancer-predisposing syndrome. Last evaluated: 2023-09-22. Review status: criteria provided, single submitter. Criteria: Ambry Variant Classification Scheme 2023. Collection method: clinical testing. Allele origin: germline.
Comment: The p.R18C variant (also known as c.52C>T), located in coding exon 1 of the BRCA2 gene, results from a C to T substitution at nucleotide position 52. The arginine at codon 18 is replaced by cysteine, an amino acid with highly dissimilar properties. This alteration has been identified in at least one individual from a cohort of breast, ovarian, and pancreatic cancer patients (Loizidou MA et al. Clin. Genet., 2017 Apr;91:611-615). This alteration was classified as likely benign by a multifactorial analysis that utilized data on co-occurrence, personal and family history, and tumor characteristics (Lee JS et al. J. Med. Genet., 2018 12;55:794-802). This amino acid position is well conserved in available vertebrate species. In addition, the in silico prediction for this alteration is inconclusive. Since supporting evidence is limited at this time, the clinical significance of this alteration remains unclear.

Color Diagnostics, LLC DBA Color Health
Classification: Likely benign for Hereditary cancer-predisposing syndrome. Last evaluated: 2023-08-28. Review status: criteria provided, single submitter. Criteria: ACMG Guidelines, 2015. Collection method: clinical testing. Allele origin: germline.

GeneDx
Classification: Likely benign. Last evaluated: 2019-09-10. Review status: criteria provided, single submitter. Criteria: GeneDx Variant Classification Process June 2021. Collection method: clinical testing. Allele origin: germline. Affected: yes.
Comment: Not observed in large population cohorts (Lek 2016); In silico analysis, which includes protein predictors and evolutionary conservation, supports that this variant does not alter protein structure/function; This variant is associated with the following publications: (PMID: 27882536, 30415210, 31131967, 32444794)

Counsyl
Classification: Uncertain significance for Breast-ovarian cancer, familial, susceptibility to, 2. Last evaluated: 2018-01-26. Review status: no assertion criteria provided. Collection method: clinical testing. Allele origin: unknown. Not counted in ClinVar's aggregate classification.

Literature cited by the submitters: PubMed 27882536 (cited by Ambry Genetics and Counsyl); PubMed 30415210 (cited by Ambry Genetics).

NM_000059.4(BRCA2):c.52C>T (p.Arg18Cys)

Gene: BRCA2 (BRCA2 DNA repair associated; plus strand). Cytogenetic location: 13q13.1.
Variant type: single nucleotide variant.
Coding change: c.52C>T on transcript NM_000059.4 (MANE Select); coding-DNA position 52, C replaced by T.
Protein change: p.Arg18Cys; replaces arginine 18 with cysteine.
Molecular consequence: missense variant.
Genome position (GRCh38, 1-based): chr13:32,316,512, C>T. VCF-style: chr13-32316512-C-T. GRCh37 (hg19) VCF-style: chr13-32890649-C-T.
Other names: short protein forms R18C.
Identifiers: ClinVar variation 184598 (VCV000184598.23), dbSNP rs786201560, ClinGen allele CA021988.